The following is an entry in ClinVar:

NM_014989.7(RIMS1):c.4371G>A (p.Ser1457=)

Gene: RIMS1 (regulating synaptic membrane exocytosis 1; plus strand). Cytogenetic location: 6q13.
Variant type: single nucleotide variant.
Coding change: c.4371G>A on transcript NM_014989.7 (MANE Select); coding-DNA position 4371, G replaced by A.
Protein change: p.Ser1457=; no amino-acid change (serine 1457 retained).
Molecular consequence: synonymous variant. On other transcripts: 5 prime UTR variant (1).
Genome position (GRCh38, 1-based): chr6:72,390,602, G>A. VCF-style: chr6-72390602-G-A. GRCh37 (hg19) VCF-style: chr6-73100304-G-A.
Other names: c.2331G>A, p.Ser777= (NM_001168407.2); c.1746G>A, p.Ser582= (NM_001168408.2, NM_001350430.2); c.1575G>A, p.Ser525= (NM_001168409.2); c.1773G>A, p.Ser591= (NM_001168410.2); c.-49G>A (NM_001168411.2); c.2292G>A, p.Ser764= (NM_001350414.2); c.2388G>A, p.Ser796= (NM_001350415.2); c.2337G>A, p.Ser779= (NM_001350416.2); and 54 more.
Identifiers: ClinVar variation 1138502 (VCV001138502.13), dbSNP rs774184109, ClinGen allele CA3886507.

ClinVar aggregate classification (germline): Likely benign. Review status: criteria provided, multiple submitters, no conflicts (2 of 4 stars). 3 submissions from 3 submitters: Likely benign (3). Last evaluated 2026-04-01.

Allele frequency attached by ClinVar (database versions not stated): gnomAD exomes 0.00001 and 0.00003; ExAC 0.00005; gnomAD 0.00007 and 0.00009.
gnomAD v4.1: 31 of 1,611,714 alleles (0.0019%); highest among the groups gnomAD compares: African/African-American, 0.019%; no homozygotes.

Submissions (3):

CeGaT Center for Human Genetics Tuebingen
Classification: Likely benign. Last evaluated: 2026-04-01. Review status: criteria provided, single submitter. Criteria: CeGaT Center For Human Genetics Tuebingen Variant Classification Criteria Version 2. Collection method: clinical testing. Allele origin: germline. Affected: yes. Observed: 1 variant allele.
Comment: RIMS1: BP4, BP7

Labcorp Genetics (formerly Invitae), Labcorp
Classification: Likely benign. Last evaluated: 2025-10-07. Review status: criteria provided, single submitter. Criteria: Invitae Variant Classification Sherloc (09022015). Collection method: clinical testing. Allele origin: germline.

Blueprint Genetics
Classification: Likely benign. Last evaluated: 2021-11-11. Review status: criteria provided, single submitter. Criteria: ACMG Guidelines, 2015. Collection method: clinical testing. Allele origin: germline.